The following is an entry in ClinVar:

ClinVar aggregate classification (germline): Pathogenic (1 of 4 stars; one submission).

Conditions:
Mitochondrial disease. Also called: Mitochondrial disorder; Mitochondrial disorders. Identifiers: Orphanet 68380, MedGen C0751651, MeSH D028361, MONDO:0044970.

Submission:

Illumina Laboratory Services, Illumina
Classification: Pathogenic for Mitochondrial disease. Last evaluated: 2023-03-14. Review status: criteria provided, single submitter. Criteria: ICSLVariantClassificationCriteria RUGD 01 April 2020. Collection method: clinical testing. Allele origin: unknown.
Comment: The TTC19 c.451C>T (p.Gln151Ter) nonsense variant results in the substitution of glutamine at amino acid position 151 with a stop codon. Loss of normal protein function through either protein truncation or nonsense-mediated mRNA decay is expected. To our knowledge, this variant has not been reported in the peer-reviewed literature. The c.451C>T variant is not found in version 2.1.1 or version 3.1.2 of the Genome Aggregation Database. This variant was identified in a homozygous state. Based on the available evidence, the c.451C>T (p.Gln151Ter) variant is classified as pathogenic for primary mitochondrial disease.

NM_017775.4(TTC19):c.451C>T (p.Gln151Ter)

Gene: TTC19 (tetratricopeptide repeat domain 19; plus strand). Cytogenetic location: 17p12.
Variant type: single nucleotide variant.
Coding change: c.451C>T on transcript NM_017775.4 (MANE Select); coding-DNA position 451, C replaced by T.
Protein change: p.Gln151Ter; replaces glutamine 151 with a stop codon.
Molecular consequence: nonsense.
Genome position (GRCh38, 1-based): chr17:16,002,820, C>T. VCF-style: chr17-16002820-C-T. GRCh37 (hg19) VCF-style: chr17-15906134-C-T.
Other names: c.130C>T, p.Gln44Ter (NM_001271420.2); short protein forms Q151*, Q44*.
Identifiers: ClinVar variation 2573001 (VCV002573001.1), dbSNP rs758193274, ClinGen allele CA398385880.
Genomic context (GRCh38, chr17:16,002,820, plus strand): 5'-TAAACTGAAAAACAATTTGTAATTTGCTTTCAGATGGCCAACTTAGCATTTATACGGGGT[C>T]AGCTTGAAAATGTAAGTAAATTGCTTTGTAATATCTTGAATTTATGAAGGAGTAGCTTCA-3'